The following is an entry in ClinVar:

ClinVar aggregate classification (germline): Uncertain significance (1 of 4 stars; one submission).

Conditions:
Familial thoracic aortic aneurysm and aortic dissection (TAAD). Also called: Thoracic aortic aneurysms and dissections. Identifiers: Orphanet 91387, MedGen C4707243, MONDO:0019625.

Submission:

All of Us Research Program, National Institutes of Health
Classification: Uncertain significance for Familial thoracic aortic aneurysm and aortic dissection. Last evaluated: 2023-09-04. Review status: criteria provided, single submitter. Criteria: ACMG Guidelines, 2015. Collection method: clinical testing. Allele origin: germline. Inheritance: Autosomal dominant inheritance. Observed: 1 variant allele, 1 heterozygote.
Comment: This missense variant replaces arginine with proline at codon 1352 of the MYH11 protein. Computational prediction is inconclusive regarding the impact of this variant on protein structure and function (internally defined REVEL score threshold 0.5 < inconclusive < 0.7, PMID: 27666373). To our knowledge, functional studies have not been reported for this variant. This variant has not been reported in individuals affected with MYH11-related disorders in the literature. This variant has not been identified in the general population by the Genome Aggregation Database (gnomAD). The available evidence is insufficient to determine the role of this variant in disease conclusively. Therefore, this variant is classified as a Variant of Uncertain Significance.

This study involves interpretation of variants in research participants for the purpose of population health screening. Participant phenotype was not available at the time of variant classification. Additional details can be found in publication PMID: 35346344, PMCID: PMC8962531

NM_002474.3(MYH11):c.4034G>C (p.Arg1345Pro)

Genes: NDE1 (nudE neurodevelopment protein 1; plus strand), MYH11 (myosin heavy chain 11; minus strand). Cytogenetic location: 16p13.11.
Variant type: single nucleotide variant.
Coding change: c.4034G>C on transcript NM_002474.3 (MANE Select); coding-DNA position 4034, G replaced by C.
Protein change: p.Arg1345Pro; replaces arginine 1345 with proline.
Molecular consequence: missense variant. On other transcripts: 3 prime UTR variant (2).
Genome position (GRCh38, 1-based): chr16:15,724,729, C>G on the plus strand (G>C on the coding strand, the complement: MYH11 is on the minus strand). VCF-style: chr16-15724729-C-G. GRCh37 (hg19) VCF-style: chr16-15818586-C-G.
Other names: c.4055G>C, p.Arg1352Pro (NM_001040113.2, NM_001040114.2); c.4034G>C, p.Arg1345Pro (NM_022844.3); c.*478C>G (NM_001143979.2, NM_017668.3); short protein forms R1345P, R1352P.
Identifiers: ClinVar variation 3073299 (VCV003073299.1), dbSNP rs150883363, ClinGen allele CA394858425.